The following is an entry in ClinVar:

NM_139076.3(ABRAXAS1):c.284A>T (p.Asn95Ile)

Gene: ABRAXAS1 (abraxas 1, BRCA1 A complex subunit; minus strand). Cytogenetic location: 4q21.23.
Variant type: single nucleotide variant.
Coding change: c.284A>T on transcript NM_139076.3 (MANE Select); coding-DNA position 284, A replaced by T.
Protein change: p.Asn95Ile; replaces asparagine 95 with isoleucine.
Molecular consequence: missense variant. On other transcripts: 5 prime UTR variant (1).
Genome position (GRCh38, 1-based): chr4:83,470,395, T>A on the plus strand (A>T on the coding strand, the complement: ABRAXAS1 is on the minus strand). VCF-style: chr4-83470395-T-A. GRCh37 (hg19) VCF-style: chr4-84391548-T-A.
Other names: c.-44A>T (NM_001345962.2); short protein forms N95I.
Identifiers: ClinVar variation 4636465 (VCV004636465.1).

ClinVar aggregate classification (germline): Uncertain significance (1 of 4 stars; one submission).

Submission:

Ambry Genetics
Classification: Uncertain significance. Last evaluated: 2025-09-19. Review status: criteria provided, single submitter. Criteria: Ambry Variant Classification Scheme 2023. Collection method: clinical testing. Allele origin: germline.
Comment: The p.N95I variant (also known as c.284A>T), located in coding exon 5 of the FAM175A gene, results from an A to T substitution at nucleotide position 284. The asparagine at codon 95 is replaced by isoleucine, an amino acid with dissimilar properties. This amino acid position is conserved. In addition, this alteration is predicted to be tolerated by in silico analysis. Based on the available evidence, the clinical significance of this variant remains unclear.